The following is an entry in ClinVar:

ClinVar aggregate classification (germline): Uncertain significance (1 of 4 stars; one submission).

Conditions:
Bartter disease type 4B. Also called: Bartter syndrome, type 4b, digenic; BARTTER SYNDROME, TYPE 4B, NEONATAL, WITH SENSORINEURAL DEAFNESS; BARTTER SYNDROME, TYPE 4B. Identifiers: Orphanet 112, MedGen C4310805, MONDO:0000909, OMIM 613090.

Submission:

Juno Genomics, Hangzhou Juno Genomics, Inc
Classification: Uncertain significance for Bartter disease type 4B. Review status: criteria provided, single submitter. Criteria: ACMG Guidelines, 2015. Collection method: clinical testing. Allele origin: germline.
Comment: Absent from controls (or at extremely low frequency if recessive) in Genome Aggregation Database.;Multiple lines of computational evidence support a deleterious effect on the gene or gene product.

NM_004070.4(CLCNKA):c.853T>C (p.Phe285Leu)

Genes: CLCNKA (chloride voltage-gated channel Ka; plus strand), LOC106501712 (CLCNKA recombination region; plus strand). Cytogenetic location: 1p36.13.
Variant type: single nucleotide variant.
Coding change: c.853T>C on transcript NM_004070.4 (MANE Select); coding-DNA position 853, T replaced by C.
Protein change: p.Phe285Leu; replaces phenylalanine 285 with leucine.
Molecular consequence: missense variant.
Genome position (GRCh38, 1-based): chr1:16,027,892, T>C. VCF-style: chr1-16027892-T-C. GRCh37 (hg19) VCF-style: chr1-16354387-T-C.
Other names: c.853T>C, p.Phe285Leu (NM_001042704.2); c.724T>C, p.Phe242Leu (NM_001257139.2); short protein forms F285L, F242L.
Identifiers: ClinVar variation 5005052 (VCV005005052.2).